The following is an entry in ClinVar:

NM_020699.4(GATAD2B):c.485G>A (p.Arg162Gln)

Gene: GATAD2B (GATA zinc finger domain containing 2B; minus strand). Cytogenetic location: 1q21.3.
Variant type: single nucleotide variant.
Coding change: c.485G>A on transcript NM_020699.4 (MANE Select); coding-DNA position 485, G replaced by A.
Protein change: p.Arg162Gln; replaces arginine 162 with glutamine.
Molecular consequence: missense variant.
Genome position (GRCh38, 1-based): chr1:153,818,903, C>T on the plus strand (G>A on the coding strand, the complement: GATAD2B is on the minus strand). VCF-style: chr1-153818903-C-T. GRCh37 (hg19) VCF-style: chr1-153791379-C-T.
Other names: short protein forms R162Q.
Identifiers: ClinVar variation 2890495 (VCV002890495.3), dbSNP rs1159333000, ClinGen allele CA342533232.

ClinVar aggregate classification (germline): Uncertain significance (1 of 4 stars; one submission).

Allele frequency attached by ClinVar (database versions not stated): gnomAD exomes 0.00002.
gnomAD v4.1: 25 of 1,611,322 alleles (0.0016%); highest among the groups gnomAD compares: Non-Finnish European, 0.0019%; no homozygotes.

Submission:

Labcorp Genetics (formerly Invitae), Labcorp
Classification: Uncertain significance. Last evaluated: 2025-08-25. Review status: criteria provided, single submitter. Criteria: Invitae Variant Classification Sherloc (09022015). Collection method: clinical testing. Allele origin: germline.
Comment: This sequence change replaces arginine, which is basic and polar, with glutamine, which is neutral and polar, at codon 162 of the GATAD2B protein (p.Arg162Gln). This variant is present in population databases (no rsID available, gnomAD 0.003%). This variant has not been reported in the literature in individuals affected with GATAD2B-related conditions. ClinVar contains an entry for this variant (Variation ID: 2890495). Invitae Evidence Modeling of protein sequence and biophysical properties (such as structural, functional, and spatial information, amino acid conservation, physicochemical variation, residue mobility, and thermodynamic stability) indicates that this missense variant is expected to disrupt GATAD2B protein function with a positive predictive value of 80%. In summary, the available evidence is currently insufficient to determine the role of this variant in disease. Therefore, it has been classified as a Variant of Uncertain Significance.